The following is an entry in ClinVar:

ClinVar aggregate classification (germline): Uncertain significance (1 of 4 stars; one submission).

Conditions:
Long QT syndrome (LQTS). Identifiers: MedGen C0023976, MeSH D008133, MONDO:0002442. Disease mechanism: loss of function. Inheritance: Various modes of inheritance.

gnomAD v4.1: 1 of 1,347,908 alleles (0.000074%); highest among the groups gnomAD compares: Non-Finnish European, 0.000096%; no homozygotes.

Submission:

Labcorp Genetics (formerly Invitae), Labcorp
Classification: Uncertain significance for Long QT syndrome. Last evaluated: 2025-08-03. Review status: criteria provided, single submitter. Criteria: Invitae Variant Classification Sherloc (09022015). Collection method: clinical testing. Allele origin: germline.
Comment: This sequence change replaces arginine, which is basic and polar, with proline, which is neutral and non-polar, at codon 30 of the SNTA1 protein (p.Arg30Pro). This variant is not present in population databases (gnomAD no frequency). This variant has not been reported in the literature in individuals affected with SNTA1-related conditions. Invitae Evidence Modeling of protein sequence and biophysical properties (such as structural, functional, and spatial information, amino acid conservation, physicochemical variation, residue mobility, and thermodynamic stability) indicates that this missense variant is not expected to disrupt SNTA1 protein function with a negative predictive value of 80%. In summary, the available evidence is currently insufficient to determine the role of this variant in disease. Therefore, it has been classified as a Variant of Uncertain Significance.

NM_003098.3(SNTA1):c.89G>C (p.Arg30Pro)

Genes: SNTA1 (syntrophin alpha 1; minus strand), LOC130065680 (ATAC-STARR-seq lymphoblastoid silent region 12812; plus strand). Cytogenetic location: 20q11.21.
Variant type: single nucleotide variant.
Coding change: c.89G>C on transcript NM_003098.3 (MANE Select); coding-DNA position 89, G replaced by C.
Protein change: p.Arg30Pro; replaces arginine 30 with proline.
Molecular consequence: missense variant.
Genome position (GRCh38, 1-based): chr20:33,443,532, C>G on the plus strand (G>C on the coding strand, the complement: SNTA1 is on the minus strand). VCF-style: chr20-33443532-C-G. GRCh37 (hg19) VCF-style: chr20-32031338-C-G.
Other names: c.89G>C, p.Arg30Pro (NM_001424413.1, NM_001424414.1); short protein forms R30P.
Identifiers: ClinVar variation 4760300 (VCV004760300.1).